The following is an entry in ClinVar:

ClinVar aggregate classification (germline): Likely benign (1 of 4 stars; one submission).

Submission:

CeGaT Center for Human Genetics Tuebingen
Classification: Likely benign. Last evaluated: 2026-05-01. Review status: criteria provided, single submitter. Criteria: CeGaT Center For Human Genetics Tuebingen Variant Classification Criteria Version 2. Collection method: clinical testing. Allele origin: germline. Affected: yes. Observed: 1 variant allele.
Comment: ZNF600: PM2:Supporting, BP4, BP7

NM_001321866.4(ZNF600):c.1773T>A (p.Gly591=)

Gene: ZNF600 (zinc finger protein 600; minus strand). Cytogenetic location: 19q13.41.
Variant type: single nucleotide variant.
Coding change: c.1773T>A on transcript NM_001321866.4 (MANE Select); coding-DNA position 1773, T replaced by A.
Protein change: p.Gly591=; no amino-acid change (glycine 591 retained).
Molecular consequence: synonymous variant.
Genome position (GRCh38, 1-based): chr19:52,766,190, A>T on the plus strand (T>A on the coding strand, the complement: ZNF600 is on the minus strand). VCF-style: chr19-52766190-A-T. GRCh37 (hg19) VCF-style: chr19-53269443-A-T.
Other names: c.1773T>A, p.Gly591= (NM_001321867.3); c.1566T>A, p.Gly522= (NM_198457.5).
Identifiers: ClinVar variation 4872553 (VCV004872553.2).